The following is an entry in ClinVar:

ClinVar aggregate classification (germline): Likely benign (1 of 4 stars; one submission).

Allele frequency attached by ClinVar (database versions not stated): TOPMed below 0.00001; gnomAD 0.00001.
gnomAD v4.1: 1 of 1,601,890 alleles (0.000062%); highest among the groups gnomAD compares: African/African-American, 0.0013%; no homozygotes.

Submission:

GeneDx
Classification: Likely benign. Last evaluated: 2017-05-08. Review status: criteria provided, single submitter. Criteria: GeneDx Variant Classification (06012015). Collection method: clinical testing. Allele origin: germline. Affected: yes.
Comment: This variant is considered likely benign or benign based on one or more of the following criteria: it is a conservative change, it occurs at a poorly conserved position in the protein, it is predicted to be benign by multiple in silico algorithms, and/or has population frequency not consistent with disease.

NM_000183.3(HADHB):c.630+18A>G

Gene: HADHB (hydroxyacyl-CoA dehydrogenase trifunctional multienzyme complex subunit beta; plus strand). Cytogenetic location: 2p23.3.
Variant type: single nucleotide variant.
Coding change: c.630+18A>G on transcript NM_000183.3 (MANE Select); 18 bases into the intron after coding-DNA position 630, A replaced by G.
Molecular consequence: intron variant.
Genome position (GRCh38, 1-based): chr2:26,278,819, A>G. VCF-style: chr2-26278819-A-G. GRCh37 (hg19) VCF-style: chr2-26501687-A-G.
Other names: c.564+18A>G (NM_001281513.2); c.585+18A>G (NM_001281512.2).
Identifiers: ClinVar variation 509469 (VCV000509469.1), dbSNP rs1553321986, ClinGen allele CA658795688.